The following is an entry in ClinVar:

NM_020686.6(ABAT):c.1387G>A (p.Val463Met)

Gene: ABAT (4-aminobutyrate aminotransferase; plus strand). Cytogenetic location: 16p13.2.
Variant type: single nucleotide variant.
Coding change: c.1387G>A on transcript NM_020686.6 (MANE Select); coding-DNA position 1387, G replaced by A.
Protein change: p.Val463Met; replaces valine 463 with methionine.
Molecular consequence: missense variant. On other transcripts: nonsense (2).
Genome position (GRCh38, 1-based): chr16:8,781,314, G>A. VCF-style: chr16-8781314-G-A. GRCh37 (hg19) VCF-style: chr16-8875171-G-A.
Other names: c.1387G>A, p.Val463Met (NM_000663.5, NM_001127448.2, NM_001386600.1 and 4 more transcripts); c.1348G>A, p.Val450Met (NM_001386605.1); c.1324G>A, p.Val442Met (NM_001386606.1, NM_001386607.1); c.1294G>A, p.Val432Met (NM_001386608.1); c.1275G>A, p.Trp425Ter (NM_001386609.1); c.1252G>A, p.Val418Met (NM_001386610.1, NM_001386611.1); c.1189G>A, p.Val397Met (NM_001386612.1, NM_001386613.1); c.1141G>A, p.Val381Met (NM_001386614.1); and 2 more; short protein forms V463M, V381M, V397M, V418M, V432M, V442M, V450M, V495M.
Identifiers: ClinVar variation 1016313 (VCV001016313.6), dbSNP rs757912430, ClinGen allele CA7893570.

ClinVar aggregate classification (germline): Uncertain significance (1 of 4 stars; one submission).

Conditions:
Gamma-aminobutyric acid transaminase deficiency (GABATD). Also called: GABA transaminase deficiency; Gamma aminobutyrate transaminase deficiency; 4 alpha aminobutyrate transaminase deficiency; GABA aminotransaminase deficiency. Identifiers: Orphanet 2066, MedGen C0342708, MONDO:0013166, OMIM 613163.

Allele frequency attached by ClinVar (database versions not stated): gnomAD 0.00001; gnomAD exomes 0.00004; ExAC 0.00005.
gnomAD v4.1: 43 of 1,614,132 alleles (0.0027%); highest among the groups gnomAD compares: South Asian, 0.045%; no homozygotes.

Submission:

Labcorp Genetics (formerly Invitae), Labcorp
Classification: Uncertain significance for Gamma-aminobutyric acid transaminase deficiency. Last evaluated: 2021-12-25. Review status: criteria provided, single submitter. Criteria: Invitae Variant Classification Sherloc (09022015). Collection method: clinical testing. Allele origin: germline.
Comment: This sequence change replaces valine, which is neutral and non-polar, with methionine, which is neutral and non-polar, at codon 463 of the ABAT protein (p.Val463Met). This variant is present in population databases (rs757912430, gnomAD 0.04%). This variant has not been reported in the literature in individuals affected with ABAT-related conditions. ClinVar contains an entry for this variant (Variation ID: 1016313). Algorithms developed to predict the effect of missense changes on protein structure and function output the following: SIFT: "Tolerated"; PolyPhen-2: "Benign"; Align-GVGD: "Class C0". The methionine amino acid residue is found in multiple mammalian species, which suggests that this missense change does not adversely affect protein function. In summary, the available evidence is currently insufficient to determine the role of this variant in disease. Therefore, it has been classified as a Variant of Uncertain Significance.